The following is an entry in ClinVar:

NM_003640.5(ELP1):c.1819T>C (p.Cys607Arg)

Gene: ELP1 (elongator acetyltransferase complex subunit 1; minus strand). Cytogenetic location: 9q31.3.
Variant type: single nucleotide variant.
Coding change: c.1819T>C on transcript NM_003640.5 (MANE Select); coding-DNA position 1819, T replaced by C.
Protein change: p.Cys607Arg; replaces cysteine 607 with arginine.
Molecular consequence: missense variant.
Genome position (GRCh38, 1-based): chr9:108,902,874, A>G on the plus strand (T>C on the coding strand, the complement: ELP1 is on the minus strand). VCF-style: chr9-108902874-A-G. GRCh37 (hg19) VCF-style: chr9-111665154-A-G.
Other names: c.1477T>C, p.Cys493Arg (NM_001318360.2); c.772T>C, p.Cys258Arg (NM_001330749.2); short protein forms C493R, C607R, C258R.
Identifiers: ClinVar variation 1039941 (VCV001039941.7), dbSNP rs1428249476, ClinGen allele CA374425590.

ClinVar aggregate classification (germline): Uncertain significance. Review status: criteria provided, single submitter (1 of 4 stars). 2 submissions from 2 submitters: Uncertain significance (1). 1 of the submissions does not count toward it. Last evaluated 2022-03-18.

Conditions:
Familial dysautonomia. Also called: HSAN III; FD. Identifiers: Orphanet 1764, MedGen C0013364, MONDO:0009131, OMIM 223900. Disease mechanism: loss of function.

Allele frequency attached by ClinVar (database versions not stated): gnomAD exomes below 0.00001; TOPMed below 0.00001; gnomAD 0.00001.
gnomAD v4.1: 9 of 1,613,856 alleles (0.00056%); highest among the groups gnomAD compares: Admixed American, 0.0033%; no homozygotes.

Submissions (2):

Labcorp Genetics (formerly Invitae), Labcorp
Classification: Uncertain significance. Last evaluated: 2022-03-18. Review status: criteria provided, single submitter. Criteria: Invitae Variant Classification Sherloc (09022015). Collection method: clinical testing. Allele origin: germline.
Comment: This sequence change replaces cysteine, which is neutral and slightly polar, with arginine, which is basic and polar, at codon 607 of the ELP1 protein (p.Cys607Arg). This variant is present in population databases (no rsID available, gnomAD 0.0009%). This variant has not been reported in the literature in individuals affected with ELP1-related conditions. ClinVar contains an entry for this variant (Variation ID: 1039941). Algorithms developed to predict the effect of missense changes on protein structure and function are either unavailable or do not agree on the potential impact of this missense change (SIFT: "Tolerated"; PolyPhen-2: "Probably Damaging"; Align-GVGD: "Class C0"). In summary, the available evidence is currently insufficient to determine the role of this variant in disease. Therefore, it has been classified as a Variant of Uncertain Significance.

Natera, Inc.
Classification: Uncertain significance for Familial dysautonomia. Last evaluated: 2020-03-18. Review status: no assertion criteria provided. Collection method: clinical testing. Allele origin: germline. Not counted in ClinVar's aggregate classification.